The following is an entry in ClinVar:

ClinVar aggregate classification (germline): Uncertain significance (1 of 4 stars; one submission).

Conditions:
TH-deficient dopa-responsive dystonia. Also called: Tyrosine Hydroxylase-Deficient Dopa-Responsive Dystonia; Segawa syndrome, autosomal recessive; DYT-TH. Identifiers: Orphanet 101150, MedGen C2673535, MONDO:0011551, OMIM 605407.

Allele frequency attached by ClinVar (database versions not stated): gnomAD 0.00001; gnomAD exomes 0.00001; 1000 Genomes Project 30x 0.00016; 1000 Genomes Project 0.00020; TOPMed below 0.00001; ExAC 0.00001.

Submission:

Labcorp Genetics (formerly Invitae), Labcorp
Classification: Uncertain significance for TH-deficient dopa-responsive dystonia. Last evaluated: 2021-08-31. Review status: criteria provided, single submitter. Criteria: Invitae Variant Classification Sherloc (09022015). Collection method: clinical testing. Allele origin: germline.
Comment: This sequence change replaces arginine with cysteine at codon 508 of the TH protein (p.Arg508Cys). The arginine residue is moderately conserved and there is a large physicochemical difference between arginine and cysteine. This variant is present in population databases (rs78779683, ExAC 0.01%). This variant has not been reported in the literature in individuals affected with TH-related conditions. Algorithms developed to predict the effect of missense changes on protein structure and function are either unavailable or do not agree on the potential impact of this missense change (SIFT: "Deleterious"; PolyPhen-2: "Possibly Damaging"; Align-GVGD: "Class C15"). In summary, the available evidence is currently insufficient to determine the role of this variant in disease. Therefore, it has been classified as a Variant of Uncertain Significance.

NM_000360.4(TH):c.1429C>T (p.Arg477Cys)

Gene: TH (tyrosine hydroxylase; minus strand). Cytogenetic location: 11p15.5.
Variant type: single nucleotide variant.
Coding change: c.1429C>T on transcript NM_000360.4 (MANE Select); coding-DNA position 1429, C replaced by T.
Protein change: p.Arg477Cys; replaces arginine 477 with cysteine.
Molecular consequence: missense variant.
Genome position (GRCh38, 1-based): chr11:2,164,298, G>A on the plus strand (C>T on the coding strand, the complement: TH is on the minus strand). VCF-style: chr11-2164298-G-A. GRCh37 (hg19) VCF-style: chr11-2185528-G-A.
Other names: c.1522C>T, p.Arg508Cys (NM_199292.3); c.1510C>T, p.Arg504Cys (NM_199293.3); short protein forms R508C, R477C, R504C.
Identifiers: ClinVar variation 1494692 (VCV001494692.5), dbSNP rs78779683, ClinGen allele CA5818241.